The following is an entry in ClinVar:

ClinVar aggregate classification (germline): Uncertain significance (1 of 4 stars; one submission).

Conditions:
Inborn genetic diseases. Identifiers: MedGen C0950123, MeSH D030342.

Submission:

Ambry Genetics
Classification: Uncertain significance for Inborn genetic diseases. Last evaluated: 2025-11-25. Review status: criteria provided, single submitter. Criteria: Ambry Variant Classification Scheme 2023. Collection method: clinical testing. Allele origin: germline.
Comment: The p.A609V variant (also known as c.1826C>T), located in coding exon 18 of the ANKRD26 gene, results from a C to T substitution at nucleotide position 1826. The alanine at codon 609 is replaced by valine, an amino acid with similar properties. This amino acid position is conserved. In addition, this alteration is predicted to be tolerated by in silico analysis. Based on the available evidence, the clinical significance of this variant remains unclear.

NM_014915.3(ANKRD26):c.1826C>T (p.Ala609Val)

Gene: ANKRD26 (ankyrin repeat domain 26; minus strand). Cytogenetic location: 10p12.1.
Variant type: single nucleotide variant.
Coding change: c.1826C>T on transcript NM_014915.3 (MANE Select); coding-DNA position 1826, C replaced by T.
Protein change: p.Ala609Val; replaces alanine 609 with valine.
Molecular consequence: missense variant.
Genome position (GRCh38, 1-based): chr10:27,046,512, G>A on the plus strand (C>T on the coding strand, the complement: ANKRD26 is on the minus strand). VCF-style: chr10-27046512-G-A. GRCh37 (hg19) VCF-style: chr10-27335441-G-A.
Other names: c.1823C>T, p.Ala608Val (NM_001256053.2); short protein forms A608V, A609V.
Identifiers: ClinVar variation 4580171 (VCV004580171.1).
Genomic context (GRCh38, chr10:27,046,512, plus strand): 5'-ACAGATTCTTTCGAGGTCCGTTTTTCTTTTTCAGTGCTCTTTACTTCCTTCATTTGCAAG[G>A]CAGGACCACTACTTTAAAAAATCCATGGGAAATGACAGTTACATAAGAAAAAAGAAAAAA-3'
Protein context (NP_055730.2, residues 599-619): ENKEYASSGP[Ala609Val]LQMKEVKSTE